The following is an entry in ClinVar:

NM_004260.4(RECQL4):c.3065G>T (p.Arg1022Leu)

Gene: RECQL4 (RecQ like helicase 4; minus strand). Cytogenetic location: 8q24.3.
Variant type: single nucleotide variant.
Coding change: c.3065G>T on transcript NM_004260.4 (MANE Select); coding-DNA position 3065, G replaced by T.
Protein change: p.Arg1022Leu; replaces arginine 1022 with leucine.
Molecular consequence: missense variant.
Genome position (GRCh38, 1-based): chr8:144,512,315, C>A on the plus strand (G>T on the coding strand, the complement: RECQL4 is on the minus strand). VCF-style: chr8-144512315-C-A. GRCh37 (hg19) VCF-style: chr8-145737698-C-A.
Other names: short protein forms R1022L.
Identifiers: ClinVar variation 528947 (VCV000528947.7), dbSNP rs560476442, ClinGen allele CA372670899.
Genomic context (GRCh38, chr8:144,512,315, plus strand): 5'-TCCCCCGGGCTGCGAAGGTGGAAGGCCAGCTCACTGAACTCCACAAGCACCCCTGTCCCA[C>A]GCCGCACACCTGCCGGAAAGCATGTCAGATGCAGGCAGGCAGCGTCCAGGGCGGTGTGGG-3'
Protein context (NP_004251.4, residues 1012-1032): WDHEPRTGVR[Arg1022Leu]GTGVLVEFSE

ClinVar aggregate classification (germline): Uncertain significance (1 of 4 stars; one submission).

Conditions:
Baller-Gerold syndrome (BGS). Also called: CRANIOSYNOSTOSIS WITH RADIAL DEFECTS. Identifiers: Orphanet 1225, MedGen C0265308, MONDO:0009039, OMIM 218600.

Allele frequency attached by ClinVar (database versions not stated): TOPMed 0.00002.
gnomAD v4.1: 7 of 1,612,222 alleles (0.00043%); highest among the groups gnomAD compares: Non-Finnish European, 0.00059%; no homozygotes.

Submission:

Labcorp Genetics (formerly Invitae), Labcorp
Classification: Uncertain significance for Baller-Gerold syndrome. Last evaluated: 2025-10-25. Review status: criteria provided, single submitter. Criteria: Invitae Variant Classification Sherloc (09022015). Collection method: clinical testing. Allele origin: germline.
Comment: This sequence change replaces arginine, which is basic and polar, with leucine, which is neutral and non-polar, at codon 1022 of the RECQL4 protein (p.Arg1022Leu). This variant is not present in population databases (gnomAD no frequency). This variant has not been reported in the literature in individuals affected with RECQL4-related conditions. ClinVar contains an entry for this variant (Variation ID: 528947). Invitae Evidence Modeling of protein sequence and biophysical properties (such as structural, functional, and spatial information, amino acid conservation, physicochemical variation, residue mobility, and thermodynamic stability) has been performed for this missense variant. However, the output from this modeling did not meet the statistical confidence thresholds required to predict the impact of this variant on RECQL4 protein function. In summary, the available evidence is currently insufficient to determine the role of this variant in disease. Therefore, it has been classified as a Variant of Uncertain Significance.